The following is an entry in ClinVar:

NM_001256715.2(DNAAF3):c.1195del (p.Ala399fs)

Genes: DNAAF3 (dynein axonemal assembly factor 3; minus strand), DNAAF3-AS1 (DNAAF3 antisense RNA 1; plus strand). Cytogenetic location: 19q13.42.
Variant type: Deletion.
Coding change: c.1195del on transcript NM_001256715.2 (MANE Select); coding-DNA position 1195, one base deleted (G; older notation c.1195delG).
Protein change: p.Ala399fs; shifts the reading frame from alanine 399.
Molecular consequence: frameshift variant.
Genome position (GRCh38, 1-based): chr19:55,159,576, C deleted on the plus strand (G on the coding strand, the reverse complement: DNAAF3 is on the minus strand); the first of 4 consecutive C bases (chr19:55,159,576-55,159,579); deleting any one gives the same sequence. VCF-style (leftmost placement, unchanged base first): chr19-55159575-GC-G. GRCh37 (hg19) VCF-style: chr19-55670943-GC-G.
Other names: c.1396del, p.Ala466fs (NM_001256714.1); c.1033del, p.Ala345fs (NM_001256716.2); c.1336del, p.Ala446fs (NM_178837.4); short protein forms A345fs, A399fs, A446fs, A466fs.
Identifiers: ClinVar variation 1073351 (VCV001073351.19), dbSNP rs2085781090, ClinGen allele CA2343276965.

ClinVar aggregate classification (germline): Pathogenic/Likely pathogenic. Review status: criteria provided, multiple submitters, no conflicts (2 of 4 stars). 2 submissions from 2 submitters: Pathogenic (1); Likely pathogenic (1). Last evaluated 2025-02-10.

Conditions:
Primary ciliary dyskinesia 2. Also called: CILIARY DYSKINESIA, PRIMARY, 2, WITH OR WITHOUT SITUS INVERSUS. Identifiers: Orphanet 244, MedGen C1847554, MONDO:0011718, OMIM 606763.
Primary ciliary dyskinesia. Also called: Ciliary dyskinesia. Identifiers: Orphanet 244, MedGen C0008780, MONDO:0016575, HP:0012265.

Submissions (2):

Clinical Omics and Informatics (COIN) Unit, Neuroscience Institute, University Of Cape Town
Classification: Likely pathogenic for Primary ciliary dyskinesia 2. Last evaluated: 2025-02-10. Review status: criteria provided, single submitter. Criteria: ACMG Guidelines, 2015. Collection method: research. Allele origin: germline. Inheritance: Autosomal recessive inheritance. Affected: yes. Observed: 1 variant allele, 1 homozygote.
Comment: PM2_Supporting: this variant is absent from gnomAD v4 (adequate coverage >20X confirmed). PM3 Met: 1 point awarded for homozygous observation of variant in proband under assessment (0.5 points) and (0.5 points) and homozygous observation in a proband with consistent phenotype for disorder. PP1 Met: variant segregates with 1 informative meiosis in 1 family. PVS1_Strong: Frameshift variant, not predict to undergo NMD, role of region in protein function is unknown, LoF variants in this exon are not frequent in the general population and exon is present in biologically-relevant transcripts, variant removes >10% of protein. Loss of function variation in DNAAF3 is a reported disease mechanism (PMID 22387996). Sequencing funded by the International Centre for Genomic Medicine in Neuromuscular Diseases (ICGNMD).

Labcorp Genetics (formerly Invitae), Labcorp
Classification: Pathogenic for Primary ciliary dyskinesia. Last evaluated: 2022-03-08. Review status: criteria provided, single submitter. Criteria: Invitae Variant Classification Sherloc (09022015). Collection method: clinical testing. Allele origin: germline.
Comment: This sequence change creates a premature translational stop signal (p.Ala466Profs*9) in the DNAAF3 gene. While this is not anticipated to result in nonsense mediated decay, it is expected to disrupt the last 143 amino acid(s) of the DNAAF3 protein. This variant is not present in population databases (gnomAD no frequency). This variant has not been reported in the literature in individuals affected with DNAAF3-related conditions. ClinVar contains an entry for this variant (Variation ID: 1073351). This variant disrupts a region of the DNAAF3 protein in which other variant(s) (p.Gln487*) have been determined to be pathogenic (Invitae). This suggests that this is a clinically significant region of the protein, and that variants that disrupt it are likely to be disease-causing. For these reasons, this variant has been classified as Pathogenic.

Literature cited by the submitters: PubMed 22387996 (cited by Clinical Omics and Informatics (COIN) Unit, Neuroscience Institute, University Of Cape Town).